The following is an entry in ClinVar:

NM_006767.4(LZTR1):c.254G>C (p.Gly85Ala)

Gene: LZTR1 (leucine zipper like post translational regulator 1; plus strand). Cytogenetic location: 22q11.21.
Variant type: single nucleotide variant.
Coding change: c.254G>C on transcript NM_006767.4 (MANE Select); coding-DNA position 254, G replaced by C.
Protein change: p.Gly85Ala; replaces glycine 85 with alanine.
Molecular consequence: missense variant.
Genome position (GRCh38, 1-based): chr22:20,983,080, G>C. VCF-style: chr22-20983080-G-C. GRCh37 (hg19) VCF-style: chr22-21337369-G-C.
Other names: short protein forms G85A.
Identifiers: ClinVar variation 3238262 (VCV003238262.1), dbSNP rs2518608669.
Genomic context (GRCh38, chr22:20,983,080, plus strand): 5'-TTTCCAGGCGCAGCAAGCACACAGTGGTGGCCTATAAAGATGCCATTTATGTATTTGGTG[G>C]AGACAATGGGTGAGTGAGTCTCAGCATCAGTGTTTGGACCAGGTAGGGAGAAGTACTGTG-3'
Protein context (NP_006758.2, residues 75-95): AYKDAIYVFG[Gly85Ala]DNGKTMLNDL

ClinVar aggregate classification (germline): Uncertain significance (1 of 4 stars; one submission).

Conditions:
Hereditary cancer-predisposing syndrome. Also called: Neoplastic Syndromes, Hereditary; Tumor predisposition; Hereditary neoplastic syndrome; Hereditary Cancer Syndrome. Identifiers: Orphanet 140162, MedGen C0027672, MeSH D009386, MONDO:0015356.
Cardiovascular phenotype. Identifiers: MedGen CN230736.

Submission:

Ambry Genetics
Classification: Uncertain significance for Cardiovascular phenotype; Hereditary cancer-predisposing syndrome. Last evaluated: 2023-08-13. Review status: criteria provided, single submitter. Criteria: Ambry Variant Classification Scheme 2023. Collection method: clinical testing. Allele origin: germline.
Comment: The p.G85A variant (also known as c.254G>C), located in coding exon 2 of the LZTR1 gene, results from a G to C substitution at nucleotide position 254. The glycine at codon 85 is replaced by alanine, an amino acid with similar properties. This amino acid position is conserved. In addition, this alteration is predicted to be deleterious by in silico analysis. Since supporting evidence is limited at this time, the clinical significance of this alteration remains unclear.